The following is an entry in ClinVar:

NM_000492.4(CFTR):c.3925C>G (p.Gln1309Glu)

Gene: CFTR (CF transmembrane conductance regulator; plus strand). Cytogenetic location: 7q31.2.
Variant type: single nucleotide variant.
Coding change: c.3925C>G on transcript NM_000492.4 (MANE Select); coding-DNA position 3925, C replaced by G.
Protein change: p.Gln1309Glu; replaces glutamine 1309 with glutamic acid.
Molecular consequence: missense variant.
Genome position (GRCh38, 1-based): chr7:117,652,893, C>G. VCF-style: chr7-117652893-C-G. GRCh37 (hg19) VCF-style: chr7-117292947-C-G.
Other names: short protein forms Q1309E.
Identifiers: ClinVar variation 1173098 (VCV001173098.8), dbSNP rs193922732, ClinGen allele CA4451585.

ClinVar aggregate classification (germline): Uncertain significance. Review status: criteria provided, multiple submitters, no conflicts (2 of 4 stars). 5 submissions from 5 submitters: Uncertain significance (5). Last evaluated 2023-05-09.

Conditions:
Cystic fibrosis (CF). Also called: MUCOVISCIDOSIS. Identifiers: Orphanet 586, MedGen C0010674, MONDO:0009061, OMIM 219700. Disease mechanism: loss of function.

Allele frequency attached by ClinVar (database versions not stated): gnomAD exomes 0.00001; ExAC 0.00001; gnomAD 0.00001.
gnomAD v4.1: 17 of 1,605,662 alleles (0.0011%); highest among the groups gnomAD compares: South Asian, 0.018%; no homozygotes.

Submissions (5):

Women's Health and Genetics/Laboratory Corporation of America, LabCorp
Classification: Uncertain significance. Last evaluated: 2023-05-09. Review status: criteria provided, single submitter. Criteria: LabCorp Variant Classification Summary - May 2015. Collection method: clinical testing. Allele origin: germline.
Comment: Variant summary: CFTR c.3925C>G (p.Gln1309Glu) results in a conservative amino acid change located in the ABC transporter type 1, transmembrane domain (IPR011527) of the encoded protein sequence. Five of five in-silico tools predict a benign effect of the variant on protein function. The variant allele was found at a frequency of 1.2e-05 in 250498 control chromosomes (gnomAD). The available data on variant occurrences in the general population are insufficient to allow any conclusion about variant significance. c.3925C>G has been reported in the literature in an individual affected developmental disorder and authors reported it as a de novo occurrence (Turner_2019). These report(s) do not provide unequivocal conclusions about association of the variant with Cystic Fibrosis. To our knowledge, no experimental evidence demonstrating an impact on protein function has been reported. The following publication has been ascertained in the context of this evaluation (PMID: 31785789). Four clinical diagnostic laboratories have submitted clinical-significance assessments for this variant to ClinVar after 2014 and all classified the variant as uncertain significance. Based on the evidence outlined above, the variant was classified as uncertain significance.

Johns Hopkins Genomics, Johns Hopkins University
Classification: Uncertain significance for Cystic fibrosis. Last evaluated: 2022-12-27. Review status: criteria provided, single submitter. Criteria: ACMG Guidelines, 2015. Collection method: clinical testing. Allele origin: germline.
Comment: This CFTR missense variant (rs193922732) is rare (<0.1%) in a large population dataset (gnomAD: 3/250498 total alleles; 0.0012%; no homozygotes) and has been reported in ClinVar. It has not been reported in the literature in individuals with cystic fibrosis, to our knowledge. Two bioinformatic tools queried predict that this substitution would be tolerated. The glutamine residue at this position is evolutionarily conserved across most species assessed, although a glutamic acid is present in one species. We consider the clinical significance of CFTR c.3925C>G to be uncertain at this time.

Ambry Genetics
Classification: Uncertain significance for Cystic fibrosis. Last evaluated: 2022-09-06. Review status: criteria provided, single submitter. Criteria: Ambry Variant Classification Scheme 2023. Collection method: clinical testing. Allele origin: germline.
Comment: The p.Q1309E variant (also known as c.3925C>G), located in coding exon 24 of the CFTR gene, results from a C to G substitution at nucleotide position 3925. The glutamine at codon 1309 is replaced by glutamic acid, an amino acid with highly similar properties. This amino acid position is well conserved in available vertebrate species. In addition, the in silico prediction for this alteration is inconclusive. Since supporting evidence is limited at this time, the clinical significance of this alteration remains unclear.

Labcorp Genetics (formerly Invitae), Labcorp
Classification: Uncertain significance for Cystic fibrosis. Last evaluated: 2021-11-17. Review status: criteria provided, single submitter. Criteria: Invitae Variant Classification Sherloc (09022015). Collection method: clinical testing. Allele origin: germline.
Comment: This sequence change replaces glutamine, which is neutral and polar, with glutamic acid, which is acidic and polar, at codon 1309 of the CFTR protein (p.Gln1309Glu). This variant is present in population databases (rs193922732, gnomAD 0.01%). This variant has not been reported in the literature in individuals affected with CFTR-related conditions. ClinVar contains an entry for this variant (Variation ID: 1173098). Algorithms developed to predict the effect of missense changes on protein structure and function (SIFT, PolyPhen-2, Align-GVGD) all suggest that this variant is likely to be tolerated. Algorithms developed to predict the effect of sequence changes on RNA splicing suggest that this variant may create or strengthen a splice site. In summary, the available evidence is currently insufficient to determine the role of this variant in disease. Therefore, it has been classified as a Variant of Uncertain Significance.

Diagnostics Services (NGS), CSIR - Centre For Cellular And Molecular Biology
Classification: Uncertain significance for Cystic fibrosis. Last evaluated: 2021-03-22. Review status: criteria provided, single submitter. Criteria: ACMG Guidelines, 2015. Collection method: clinical testing. Allele origin: unknown. Inheritance: Autosomal recessive inheritance. Affected: no. Observed: 1 variant allele, 1 heterozygote.
Comment: The c.3925C>G variant is not present in publicly available population databases like 1000 Genomes and EVS.The variant is present in ExAC, gnomAD and dbSNP at a low frequency. The variant is not present in Indian Exome Database [Kausthubham et al. Hum Mutat, 2021] or in our in-house exome database. The variant has not been previously reported to ClinVar, Human Genome Mutation database and/or OMIM databases in affected individuals. Predictions from different in-silico pathogenicity prediction programs like SIFT, PolyPhen-3, MutationTaster2, CADD etc. are contradictory. There are no proven functional studies reported to prove its pathogenicity. Based on available evidence to date, the clinical significance of this alteration remains unclear, hence classified as uncertain significance.

Literature cited by the submitters: PubMed 31785789 (cited by Women's Health and Genetics/Laboratory Corporation of America, LabCorp).